The following is an entry in ClinVar:

NM_017849.4(TMEM127):c.194A>G (p.Glu65Gly)

Gene: TMEM127 (transmembrane protein 127; minus strand). Cytogenetic location: 2q11.2.
Variant type: single nucleotide variant.
Coding change: c.194A>G on transcript NM_017849.4 (MANE Select); coding-DNA position 194, A replaced by G.
Protein change: p.Glu65Gly; replaces glutamic acid 65 with glycine.
Molecular consequence: missense variant.
Genome position (GRCh38, 1-based): chr2:96,265,188, T>C on the plus strand (A>G on the coding strand, the complement: TMEM127 is on the minus strand). VCF-style: chr2-96265188-T-C. GRCh37 (hg19) VCF-style: chr2-96930926-T-C.
Other names: c.194A>G, p.Glu65Gly (NM_001193304.3); short protein forms E65G.
Identifiers: ClinVar variation 1986498 (VCV001986498.6), dbSNP rs1239429978, ClinGen allele CA347655924.
Genomic context (GRCh38, chr2:96,265,188, plus strand): 5'-GCACCCTCACCTTTCAGCAGGTCCGGGTGCACATAGCCCAACACGTCGGAGACCCCCAGC[T>C]CCTGGCGCGAACAGGTGCCTCCGTGGATGTGCAACCAGGCGGGCTCGGCGAGGGCAGTGC-3'
Protein context (NP_060319.1, residues 55-75): HIHGGTCSRQ[Glu65Gly]LGVSDVLGYV

ClinVar aggregate classification (germline): Uncertain significance. Review status: criteria provided, multiple submitters, no conflicts (2 of 4 stars). 2 submissions from 2 submitters: Uncertain significance (2). Last evaluated 2024-05-07.

Conditions:
Hereditary cancer-predisposing syndrome. Also called: Tumor predisposition; Hereditary Cancer Syndrome; Hereditary neoplastic syndrome; Neoplastic Syndromes, Hereditary. Identifiers: Orphanet 140162, MedGen C0027672, MeSH D009386, MONDO:0015356.
Hereditary pheochromocytoma and paraganglioma. Also called: Hereditary paragangliomas and pheochromocytomas; Hereditary Paraganglioma-Pheochromocytoma Syndromes; Hereditary pheochromocytoma-paraganglioma. Identifiers: Orphanet 29072, MedGen C4274332, MONDO:0017366.

Allele frequency attached by ClinVar (database versions not stated): gnomAD exomes 0.00001.
gnomAD v4.1: 3 of 1,610,140 alleles (0.00019%); highest among the groups gnomAD compares: Admixed American, 0.005%; no homozygotes.

Submissions (2):

Ambry Genetics
Classification: Uncertain significance for Hereditary cancer-predisposing syndrome. Last evaluated: 2024-05-07. Review status: criteria provided, single submitter. Criteria: Ambry Variant Classification Scheme 2023. Collection method: clinical testing. Allele origin: germline.
Comment: The p.E65G variant (also known as c.194A>G), located in coding exon 1 of the TMEM127 gene, results from an A to G substitution at nucleotide position 194. The glutamic acid at codon 65 is replaced by glycine, an amino acid with similar properties. This amino acid position is highly conserved in available vertebrate species. In addition, the in silico prediction for this alteration is inconclusive. Since supporting evidence is limited at this time, the clinical significance of this alteration remains unclear.

Labcorp Genetics (formerly Invitae), Labcorp
Classification: Uncertain significance for Hereditary pheochromocytoma and paraganglioma. Last evaluated: 2024-04-12. Review status: criteria provided, single submitter. Criteria: Invitae Variant Classification Sherloc (09022015). Collection method: clinical testing. Allele origin: germline.
Comment: This sequence change replaces glutamic acid, which is acidic and polar, with glycine, which is neutral and non-polar, at codon 65 of the TMEM127 protein (p.Glu65Gly). This variant is present in population databases (no rsID available, gnomAD 0.009%). This variant has not been reported in the literature in individuals affected with TMEM127-related conditions. ClinVar contains an entry for this variant (Variation ID: 1986498). An algorithm developed to predict the effect of missense changes on protein structure and function (PolyPhen-2) suggests that this variant is likely to be tolerated. In summary, the available evidence is currently insufficient to determine the role of this variant in disease. Therefore, it has been classified as a Variant of Uncertain Significance.